The following is an entry in ClinVar:

NM_000157.4(GBA1):c.38A>G (p.Lys13Arg)

Gene: GBA1 (glucosylceramidase beta 1; minus strand). Cytogenetic location: 1q22.
Variant type: single nucleotide variant.
Coding change: c.38A>G on transcript NM_000157.4 (MANE Select); coding-DNA position 38, A replaced by G.
Protein change: p.Lys13Arg; replaces lysine 13 with arginine.
Molecular consequence: missense variant. On other transcripts: intron variant (1).
Genome position (GRCh38, 1-based): chr1:155,240,707, T>C on the plus strand (A>G on the coding strand, the complement: GBA1 is on the minus strand). VCF-style: chr1-155240707-T-C. GRCh37 (hg19) VCF-style: chr1-155210498-T-C.
Other names: NP_000148.2:p.(K13R); c.38A>G, p.Lys13Arg (NM_001005741.3, NM_001005742.3, NM_001171812.2); c.-146-630A>G (NM_001171811.2); short protein forms K13R.
Identifiers: ClinVar variation 196296 (VCV000196296.19), dbSNP rs150466109, ClinGen allele CA202262.
Genomic context (GRCh38, chr1:155,240,707, plus strand): 5'-GCCTGAAGTAGAAGCAATCCTGTGAGGCTGCCAGCCATGATGCTTACCCTACTCAAAGGC[T>C]TGGGACATTCCTGAGGACAGAATGAGGAATGACTGAAAAGCAAGCCCCTCTCCACCCCTC-3'
Protein context (NP_000148.2, residues 3-23): FSSPSREECP[Lys13Arg]PLSRVSIMAG

ClinVar aggregate classification (germline): Benign/Likely benign. Review status: criteria provided, multiple submitters, no conflicts (2 of 4 stars). 9 submissions from 9 submitters: Benign (5); Likely benign (1). 3 of the submissions do not count toward it. Last evaluated 2024-11-14.

Conditions:
Gaucher disease. Also called: Acute cerebral Gaucher disease; Cerebroside lipidosis syndrome; Gaucher splenomegaly; Sphingolipidosis 1; Glucocerebrosidosis; Glucosylceramidase deficiency. Identifiers: Orphanet 355, MedGen C0017205, MONDO:0018150.
Gaucher disease type I (GD1). Also called: Gaucher's disease, type 1; ACID BETA-GLUCOSIDASE DEFICIENCY; Type 1 Gaucher Disease; GD 1; GAUCHER DISEASE, NONCEREBRAL JUVENILE; GBA DEFICIENCY. Identifiers: Orphanet 355, Orphanet 77259, MedGen C1961835, MONDO:0009265, OMIM 230800.

Allele frequency attached by ClinVar (database versions not stated): 1000 Genomes Project 30x 0.02233; gnomAD 0.02243 and 0.02394; 1000 Genomes Project 0.02356; ESP Exome Variant Server 0.02422; TOPMed 0.02532.
gnomAD v4.1: 6,736 of 1,613,436 alleles (0.42%); highest among the groups gnomAD compares: African/African-American, 7.8%; 222 homozygotes.

Submissions (9):

Blueprint Genetics
Classification: Likely benign. Last evaluated: 2024-11-14. Review status: criteria provided, single submitter. Criteria: ACMG Guidelines, 2015. Collection method: clinical testing. Allele origin: germline.

ARUP Laboratories, Molecular Genetics and Genomics, ARUP Laboratories
Classification: Benign. Last evaluated: 2024-06-28. Review status: criteria provided, single submitter. Criteria: ARUP Molecular Germline Variant Investigation Process 2024. Collection method: clinical testing. Allele origin: germline.

GeneDx
Classification: Benign. Last evaluated: 2018-12-18. Review status: criteria provided, single submitter. Criteria: GeneDx Variant Classification Process June 2021. Collection method: clinical testing. Allele origin: germline. Affected: yes.
Comment: This variant is associated with the following publications: (PMID: 32658388, 30302829, 26117366, 26296077, 28030538, 27884173, 17059888, 25525159, 22001711, 23588557)

Center for Pediatric Genomic Medicine, Children's Mercy Hospital and Clinics
Classification: Benign. Last evaluated: 2016-06-15. Review status: criteria provided, single submitter. Criteria: ACMG Guidelines, 2015. Collection method: clinical testing. Allele origin: germline.

Eurofins Ntd Llc (ga)
Classification: Benign. Last evaluated: 2015-02-04. Review status: criteria provided, single submitter. Criteria: EGL Classification Definitions 2015. Collection method: clinical testing. Allele origin: germline. Observed: 8 variant alleles, 6 heterozygotes, 2 homozygotes.

PreventionGenetics, part of Exact Sciences
Classification: Benign. Review status: criteria provided, single submitter. Criteria: ACMG Guidelines, 2015. Collection method: clinical testing. Allele origin: germline.

Laboratório Nacional de Células Tronco Embrionárias, Instituto de Biociencias - Universidade de Sao Paulo
Classification: Likely pathogenic for Gaucher disease type I. Last evaluated: 2025-06-24. Review status: no assertion criteria provided. Collection method: research. Allele origin: inherited. Inheritance: Autosomal recessive inheritance. Affected: yes. Observed: 10 variant alleles. Not counted in ClinVar's aggregate classification.
Comment: This is the only variant detected at the GBA locus in this allele in compound heterozigosity (in trans) with a previously described variant of Gaucher disease - genotype N409S/W223R/K13R. Mutation detected and described in Gaucher disease patients (n=1) in Rozenberg et al., 2006 (doi:10.1016/j.bcmd.2006.09.004), in dementia with Lewy bodies patients (n=1), and in Parkinson's disease patients (n=8) in Siebert et al., 2012 (doi:10.1016/j.parkreldis.2011.09.024), Mata et al., 2015 (doi:10.1002/mds.26359), and Petrucci et al., 2020 (doi: 10.1002/mds.28195). Based on these data and established disease mechanisms for GBA1, we classified it as likely pathogenic.

Natera, Inc.
Classification: Benign for Gaucher disease. Last evaluated: 2017-06-14. Review status: no assertion criteria provided. Collection method: clinical testing. Allele origin: germline. Not counted in ClinVar's aggregate classification.

Mayo Clinic Laboratories, Mayo Clinic
Classification: Benign. Last evaluated: 2017-05-16. Review status: no assertion criteria provided. Collection method: clinical testing. Allele origin: unknown. Not counted in ClinVar's aggregate classification.

Literature cited by the submitters: DOI 10.1016/j.bcmd.2006.09.004 (cited by Laboratório Nacional de Células Tronco Embrionárias, Instituto de Biociencias - Universidade de Sao Paulo); DOI 10.1016/j.parkreldis.2011.09.024 (cited by Laboratório Nacional de Células Tronco Embrionárias, Instituto de Biociencias - Universidade de Sao Paulo); DOI 10.1002/mds.26359 (cited by Laboratório Nacional de Células Tronco Embrionárias, Instituto de Biociencias - Universidade de Sao Paulo); DOI 10.1002/mds.28195 (cited by Laboratório Nacional de Células Tronco Embrionárias, Instituto de Biociencias - Universidade de Sao Paulo).